The following is an entry in ClinVar:

ClinVar aggregate classification (germline): Uncertain significance (1 of 4 stars; one submission).

Conditions:
Aortic aneurysm, familial thoracic 4 (AAT4). Also called: AORTIC ANEURYSM/AORTIC DISSECTION AND PATENT DUCTUS ARTERIOSUS. Identifiers: MedGen C1851504, MONDO:0007568, OMIM 132900.

Submission:

Labcorp Genetics (formerly Invitae), Labcorp
Classification: Uncertain significance for Aortic aneurysm, familial thoracic 4. Last evaluated: 2025-05-19. Review status: criteria provided, single submitter. Criteria: Invitae Variant Classification Sherloc (09022015). Collection method: clinical testing. Allele origin: germline.
Comment: This sequence change replaces threonine, which is neutral and polar, with alanine, which is neutral and non-polar, at codon 287 of the MYH11 protein (p.Thr287Ala). This variant is present in population databases (no rsID available, gnomAD 0.002%). This variant has not been reported in the literature in individuals affected with MYH11-related conditions. Invitae Evidence Modeling of protein sequence and biophysical properties (such as structural, functional, and spatial information, amino acid conservation, physicochemical variation, residue mobility, and thermodynamic stability) indicates that this missense variant is not expected to disrupt MYH11 protein function with a negative predictive value of 95%. In summary, the available evidence is currently insufficient to determine the role of this variant in disease. Therefore, it has been classified as a Variant of Uncertain Significance.

NM_002474.3(MYH11):c.838A>G (p.Thr280Ala)

Gene: MYH11 (myosin heavy chain 11; minus strand). Cytogenetic location: 16p13.11.
Variant type: single nucleotide variant.
Coding change: c.838A>G on transcript NM_002474.3 (MANE Select); coding-DNA position 838, A replaced by G.
Protein change: p.Thr280Ala; replaces threonine 280 with alanine.
Molecular consequence: missense variant.
Genome position (GRCh38, 1-based): chr16:15,776,129, T>C on the plus strand (A>G on the coding strand, the complement: MYH11 is on the minus strand). VCF-style: chr16-15776129-T-C. GRCh37 (hg19) VCF-style: chr16-15869986-T-C.
Other names: c.859A>G, p.Thr287Ala (NM_001040113.2, NM_001040114.2); c.838A>G, p.Thr280Ala (NM_022844.3); short protein forms T287A, T280A.
Identifiers: ClinVar variation 4697760 (VCV004697760.1).